The following is an entry in ClinVar:

ClinVar aggregate classification (germline): Uncertain significance. Review status: criteria provided, multiple submitters, no conflicts (2 of 4 stars). 2 submissions from 2 submitters: Uncertain significance (2). Last evaluated 2025-11-26.

Submissions (2):

Ambry Genetics
Classification: Uncertain significance. Last evaluated: 2025-11-26. Review status: criteria provided, single submitter. Criteria: Ambry Variant Classification Scheme 2023. Collection method: clinical testing. Allele origin: germline.

CeGaT Center for Human Genetics Tuebingen
Classification: Uncertain significance. Last evaluated: 2022-10-01. Review status: criteria provided, single submitter. Criteria: CeGaT Center For Human Genetics Tuebingen Variant Classification Criteria Version 2. Collection method: clinical testing. Allele origin: germline. Affected: yes. Observed: 1 variant allele.
Comment: TNC: PM2, BP4

NM_002160.4(TNC):c.6187A>G (p.Lys2063Glu)

Gene: TNC (tenascin C; minus strand). Cytogenetic location: 9q33.1.
Variant type: single nucleotide variant.
Coding change: c.6187A>G on transcript NM_002160.4 (MANE Select); coding-DNA position 6187, A replaced by G.
Protein change: p.Lys2063Glu; replaces lysine 2063 with glutamic acid.
Molecular consequence: missense variant.
Genome position (GRCh38, 1-based): chr9:115,026,678, T>C on the plus strand (A>G on the coding strand, the complement: TNC is on the minus strand). VCF-style: chr9-115026678-T-C. GRCh37 (hg19) VCF-style: chr9-117788957-T-C.
Other names: c.6187A>G (NM_002160.3); c.5641A>G, p.Lys1881Glu (NM_001410991.1); short protein forms K1881E, K2063E.
Identifiers: ClinVar variation 2659450 (VCV002659450.24), dbSNP rs1829509005, ClinGen allele CA374624219.